The following is an entry in ClinVar:

ClinVar aggregate classification (germline): Uncertain significance (1 of 4 stars; one submission).

Allele frequency attached by ClinVar (database versions not stated): gnomAD exomes 0.00004; ExAC 0.00014; 1000 Genomes Project 30x 0.00016; 1000 Genomes Project 0.00020; gnomAD 0.00033; TOPMed 0.00039.

Submission:

Ambry Genetics
Classification: Uncertain significance. Last evaluated: 2024-07-14. Review status: criteria provided, single submitter. Criteria: Ambry Variant Classification Scheme 2023. Collection method: clinical testing. Allele origin: germline.
Comment: The c.151G>A (p.V51M) alteration is located in exon (coding exon ) of the KRTAP5-4 gene. This alteration results from a G to A substitution at nucleotide position 151, causing the valine (V) at amino acid position 51 to be replaced by a methionine (M). Based on insufficient or conflicting evidence, the clinical significance of this alteration remains unclear.

NM_001347674.1(KRTAP5-4):c.151G>A (p.Val51Met)

Gene: KRTAP5-4 (keratin associated protein 5-4; minus strand). Cytogenetic location: 11p15.5.
Variant type: single nucleotide variant.
Coding change: c.151G>A on transcript NM_001347674.1 (MANE Select); coding-DNA position 151, G replaced by A.
Protein change: p.Val51Met; replaces valine 51 with methionine.
Molecular consequence: missense variant.
Genome position (GRCh38, 1-based): chr11:1,621,943, C>T on the plus strand (G>A on the coding strand, the complement: KRTAP5-4 is on the minus strand). VCF-style: chr11-1621943-C-T. GRCh37 (hg19) VCF-style: chr11-1643173-C-T.
Other names: c.151G>A, p.Val51Met (NM_001012709.1); short protein forms V51M.
Identifiers: ClinVar variation 2274959 (VCV002274959.3), dbSNP rs575445544, ClinGen allele CA5813206.
Genomic context (GRCh38, chr11:1,621,943, plus strand): 5'-AGCTGGAGCAGGAACAGGCTGGCACACAGCAGCACACAGGTTTGCAGCAGCAGATGGGCA[C>T]ACAGCAGCTGGAGCCACAGCCCCCACAGCCGGAGCCACAGCCCCCACAGCCGGAGCCACA-3'
Protein context (NP_001334603.1, residues 41-61): GCGGCGSSCC[Val51Met]PICCCKPVCC